The following is an entry in ClinVar:

NM_002691.4(POLD1):c.3247A>C (p.Lys1083Gln)

Gene: POLD1 (DNA polymerase delta 1, catalytic subunit; plus strand). Cytogenetic location: 19q13.33.
Variant type: single nucleotide variant.
Coding change: c.3247A>C on transcript NM_002691.4 (MANE Select); coding-DNA position 3247, A replaced by C.
Protein change: p.Lys1083Gln; replaces lysine 1083 with glutamine.
Molecular consequence: missense variant. On other transcripts: non-coding transcript variant (1).
Genome position (GRCh38, 1-based): chr19:50,417,870, A>C. VCF-style: chr19-50417870-A-C. GRCh37 (hg19) VCF-style: chr19-50921127-A-C.
Other names: c.3247A>C, p.Lys1083Gln (NM_001256849.1); c.3325A>C, p.Lys1109Gln (NM_001308632.1); c.3247A>C (NM_002691.2); short protein forms K1083Q, K1109Q.
Identifiers: ClinVar variation 408025 (VCV000408025.10), dbSNP rs200284426, ClinGen allele CA9596830.

ClinVar aggregate classification (germline): Uncertain significance. Review status: criteria provided, multiple submitters, no conflicts (2 of 4 stars). 2 submissions from 2 submitters: Uncertain significance (2). Last evaluated 2026-01-06.

Conditions:
Hereditary cancer-predisposing syndrome. Also called: Neoplastic Syndromes, Hereditary; Hereditary neoplastic syndrome; Hereditary Cancer Syndrome; Tumor predisposition. Identifiers: Orphanet 140162, MedGen C0027672, MeSH D009386, MONDO:0015356.
POLD1-related polyposis and colorectal cancer syndrome (CRCS10). Also called: Colorectal cancer, susceptibility to, 10; Colorectal cancer 10; COLORECTAL CANCER, SUSCEPTIBILITY TO, ON CHROMOSOME 19q. Identifiers: Orphanet 220460, MedGen C2675481, MONDO:0012953, OMIM 612591.

Allele frequency attached by ClinVar (database versions not stated): gnomAD 0.00001; TOPMed 0.00001; gnomAD exomes 0.00003; ExAC 0.00005; 1000 Genomes Project 0.00020; 1000 Genomes Project 30x 0.00031.
gnomAD v4.1: 4 of 1,610,032 alleles (0.00025%); highest among the groups gnomAD compares: East Asian, 0.0089%; no homozygotes.

Submissions (2):

Labcorp Genetics (formerly Invitae), Labcorp
Classification: Uncertain significance for POLD1-related polyposis and colorectal cancer syndrome. Last evaluated: 2026-01-06. Review status: criteria provided, single submitter. Criteria: Invitae Variant Classification Sherloc (09022015). Collection method: clinical testing. Allele origin: germline.
Comment: This sequence change replaces lysine, which is basic and polar, with glutamine, which is neutral and polar, at codon 1083 of the POLD1 protein (p.Lys1083Gln). This variant is present in population databases (rs200284426, gnomAD 0.04%). This variant has not been reported in the literature in individuals affected with POLD1-related conditions. ClinVar contains an entry for this variant (Variation ID: 408025). Invitae Evidence Modeling of protein sequence and biophysical properties (such as structural, functional, and spatial information, amino acid conservation, physicochemical variation, residue mobility, and thermodynamic stability) indicates that this missense variant is not expected to disrupt POLD1 protein function with a negative predictive value of 80%. In summary, the available evidence is currently insufficient to determine the role of this variant in disease. Therefore, it has been classified as a Variant of Uncertain Significance.

Ambry Genetics
Classification: Uncertain significance for Hereditary cancer-predisposing syndrome. Last evaluated: 2024-12-16. Review status: criteria provided, single submitter. Criteria: Ambry Variant Classification Scheme 2023. Collection method: clinical testing. Allele origin: germline.
Comment: The p.K1083Q variant (also known as c.3247A>C), located in coding exon 26 of the POLD1 gene, results from an A to C substitution at nucleotide position 3247. The lysine at codon 1083 is replaced by glutamine, an amino acid with similar properties. This amino acid position is well conserved in available vertebrate species. In addition, this alteration is predicted to be tolerated by in silico analysis. Based on the available evidence, the clinical significance of this variant remains unclear.